The following is an entry in ClinVar:

ClinVar aggregate classification (germline): Uncertain significance (1 of 4 stars; one submission).

Conditions:
Cystic fibrosis (CF). Also called: MUCOVISCIDOSIS. Identifiers: Orphanet 586, MedGen C0010674, MONDO:0009061, OMIM 219700. Disease mechanism: loss of function.

Submission:

Ambry Genetics
Classification: Uncertain significance for Cystic fibrosis. Last evaluated: 2025-09-19. Review status: criteria provided, single submitter. Criteria: Ambry Variant Classification Scheme 2023. Collection method: clinical testing. Allele origin: germline.
Comment: The p.N965I variant (also known as c.2894A>T), located in coding exon 17 of the CFTR gene, results from an A to T substitution at nucleotide position 2894. The asparagine at codon 965 is replaced by isoleucine, an amino acid with dissimilar properties. This amino acid position is conserved. In addition, the in silico prediction for this alteration is inconclusive. Based on the available evidence, the clinical significance of this variant remains unclear.

NM_000492.4(CFTR):c.2894A>T (p.Asn965Ile)

Gene: CFTR (CF transmembrane conductance regulator; plus strand). Cytogenetic location: 7q31.2.
Variant type: single nucleotide variant.
Coding change: c.2894A>T on transcript NM_000492.4 (MANE Select); coding-DNA position 2894, A replaced by T.
Protein change: p.Asn965Ile; replaces asparagine 965 with isoleucine.
Molecular consequence: missense variant.
Genome position (GRCh38, 1-based): chr7:117,603,768, A>T. VCF-style: chr7-117603768-A-T. GRCh37 (hg19) VCF-style: chr7-117243822-A-T.
Other names: short protein forms N965I.
Identifiers: ClinVar variation 4646473 (VCV004646473.1).